The following is an entry in ClinVar:

NM_005629.4(SLC6A8):c.82del (p.Asp28fs)

Gene: SLC6A8 (solute carrier family 6 member 8; plus strand). Cytogenetic location: Xq28.
Variant type: Deletion.
Coding change: c.82del on transcript NM_005629.4 (MANE Select); coding-DNA position 82, one base deleted (G; older notation c.82delG).
Protein change: p.Asp28fs; shifts the reading frame from aspartic acid 28.
Molecular consequence: frameshift variant.
Genome position (GRCh38, 1-based): chrX:153,688,656, G deleted. VCF-style (leftmost placement, unchanged base first): chrX-153688655-CG-C. GRCh37 (hg19) VCF-style: chrX-152954110-CG-C.
Other names: c.82del, p.Asp28fs (NM_001142805.2); short protein forms D28fs.
Identifiers: ClinVar variation 1704549 (VCV001704549.1), dbSNP rs2522144724, ClinGen allele CA2580101666.

ClinVar aggregate classification (germline): Likely pathogenic (1 of 4 stars; one submission).

Conditions:
Creatine transporter deficiency (CCDS1). Also called: Creatine Transporter (CRTR) Deficiency; Mental retardation , X-linked with seizures, short stature and midface hypoplasia; Mental retardation , X-linked, with creatine transport deficiency; X-linked creatine transporter deficiency; X-linked creatine deficiency syndrome; SLC6A8-Related Creatine Transporter Deficiency. Identifiers: Orphanet 52503, MedGen C1845862, MONDO:0010305, OMIM 300352.

Submission:

Women's Health and Genetics/Laboratory Corporation of America, LabCorp
Classification: Likely pathogenic for Creatine transporter deficiency. Last evaluated: 2022-07-01. Review status: criteria provided, single submitter. Criteria: LabCorp Variant Classification Summary - May 2015. Collection method: clinical testing. Allele origin: germline.
Comment: Variant summary: SLC6A8 c.82delG (p.Asp28ThrfsX69) results in a premature termination codon, predicted to cause a truncation of the encoded protein or absence of the protein due to nonsense mediated decay, which are commonly known mechanisms for disease. Truncations downstream of this position have been classified as pathogenic in ClinVar (e.g. c.570_571del [p.Ala191fs], c.626_627del [p.Pro209fs]). The variant was absent in 107117 control chromosomes (gnomAD v3.1.2). To our knowledge, no occurrence of c.82delG in individuals affected with X-Linked Creatine Deficiency and no experimental evidence demonstrating its impact on protein function have been reported. No clinical diagnostic laboratories have submitted clinical-significance assessments for this variant to ClinVar after 2014. Based on the evidence outlined above, the variant was classified as likely pathogenic.